The following is an entry in ClinVar:

NM_005909.5(MAP1B):c.2151G>T (p.Glu717Asp)

Gene: MAP1B (microtubule associated protein 1B; plus strand). Cytogenetic location: 5q13.2.
Variant type: single nucleotide variant.
Coding change: c.2151G>T on transcript NM_005909.5 (MANE Select); coding-DNA position 2151, G replaced by T.
Protein change: p.Glu717Asp; replaces glutamic acid 717 with aspartic acid.
Molecular consequence: missense variant.
Genome position (GRCh38, 1-based): chr5:72,195,506, G>T. VCF-style: chr5-72195506-G-T. GRCh37 (hg19) VCF-style: chr5-71491333-G-T.
Other names: c.1773G>T, p.Glu591Asp (NM_001324255.2); short protein forms E591D, E717D.
Identifiers: ClinVar variation 1683634 (VCV001683634.3), dbSNP rs2112234623, ClinGen allele CA360005232.

ClinVar aggregate classification (germline): Uncertain significance (1 of 4 stars; one submission).

Conditions:
Periventricular nodular heterotopia 9. Identifiers: MedGen C5394503, MONDO:0030061, OMIM 618918.

Allele frequency attached by ClinVar (database versions not stated): gnomAD exomes below 0.00001.
gnomAD v4.1: 1 of 1,587,022 alleles (0.000063%); highest among the groups gnomAD compares: Non-Finnish European, 0.000085%; no homozygotes.

Submission:

Laboratorio de Genetica e Diagnostico Molecular, Hospital Israelita Albert Einstein
Classification: Uncertain significance for Periventricular nodular heterotopia 9. Last evaluated: 2021-10-26. Review status: criteria provided, single submitter. Criteria: ACMG Guidelines, 2015. Collection method: clinical testing. Allele origin: germline. Affected: yes.
Comment: ACMG classification criteria: PM2 moderate, BP4 supporting